The following is an entry in ClinVar:

NM_014168.4(METTL5):c.43C>T (p.Gln15Ter)

Gene: METTL5 (methyltransferase 5, N6-adenosine; minus strand). Cytogenetic location: 2q31.1.
Variant type: single nucleotide variant.
Coding change: c.43C>T on transcript NM_014168.4 (MANE Select); coding-DNA position 43, C replaced by T.
Protein change: p.Gln15Ter; replaces glutamine 15 with a stop codon.
Molecular consequence: nonsense.
Genome position (GRCh38, 1-based): chr2:169,824,555, G>A on the plus strand (C>T on the coding strand, the complement: METTL5 is on the minus strand). VCF-style: chr2-169824555-G-A. GRCh37 (hg19) VCF-style: chr2-170681065-G-A.
Other names: c.43C>T, p.Gln15Ter (NM_001293186.2, NM_001293187.2); short protein forms Q15*.
Identifiers: ClinVar variation 1298336 (VCV001298336.1), dbSNP rs1247557050, ClinGen allele CA348899345.

ClinVar aggregate classification (germline): Uncertain significance (1 of 4 stars; one submission).

Conditions:
Intellectual developmental disorder, autosomal recessive 72. Also called: MENTAL RETARDATION, AUTOSOMAL RECESSIVE 72. Identifiers: MedGen C5231452, MONDO:0032860, OMIM 618665.

Allele frequency attached by ClinVar (database versions not stated): gnomAD exomes below 0.00001; TOPMed below 0.00001.
gnomAD v4.1: 2 of 1,614,172 alleles (0.00012%); highest among the groups gnomAD compares: Admixed American, 0.0017%; no homozygotes.

Submission:

Breda Genetics srl
Classification: Uncertain significance for Intellectual developmental disorder, autosomal recessive 72. Last evaluated: 2021-04-19. Review status: criteria provided, single submitter. Criteria: ACMG Guidelines, 2015. Collection method: clinical testing. Allele origin: germline. Inheritance: Autosomal recessive inheritance. Affected: yes. Observed: 1 variant allele, 1 heterozygote.
Comment: Based on allele frequency, in-silico prediction scores and a certain overlap with the clinical phenotype, we interpreted this variant at least as of uncertain significance. The lack of one or more of the following features has discouraged further investigations: lack of a possible second hit in autosomal recessive conditions, presence of healthy controls in databases for autosomal dominant conditions, presence of unmatching cardinal clinical features in the patient or in the known gene-disease association, and/or variant type outside the known gene mutational spectrum.